The following is an entry in ClinVar:

NM_198578.4(LRRK2):c.4134C>G (p.Ile1378Met)

Gene: LRRK2 (leucine rich repeat kinase 2; plus strand). Cytogenetic location: 12q12.
Variant type: single nucleotide variant.
Coding change: c.4134C>G on transcript NM_198578.4 (MANE Select); coding-DNA position 4134, C replaced by G.
Protein change: p.Ile1378Met; replaces isoleucine 1378 with methionine.
Molecular consequence: missense variant.
Genome position (GRCh38, 1-based): chr12:40,308,641, C>G. VCF-style: chr12-40308641-C-G. GRCh37 (hg19) VCF-style: chr12-40702443-C-G.
Other names: short protein forms I1378M.
Identifiers: ClinVar variation 3540660 (VCV003540660.1).
Genomic context (GRCh38, chr12:40,308,641, plus strand): 5'-GAAATCAGATCTTGGAATGCAAAGTGCCACAGTTGGCATAGATGTGAAAGACTGGCCTAT[C>G]CAAATAAGAGACAAAAGAAAGAGAGATCTCGTCCTAAATGTGTGGGATTTTGCAGGTATT-3'
Protein context (NP_940980.4, residues 1368-1388): TVGIDVKDWP[Ile1378Met]QIRDKRKRDL

ClinVar aggregate classification (germline): Uncertain significance (1 of 4 stars; one submission).

Conditions:
Inborn genetic diseases. Identifiers: MedGen C0950123, MeSH D030342.

Submission:

Ambry Genetics
Classification: Uncertain significance for Inborn genetic diseases. Last evaluated: 2024-09-05. Review status: criteria provided, single submitter. Criteria: Ambry Variant Classification Scheme 2023. Collection method: clinical testing. Allele origin: germline.
Comment: The p.I1378M variant (also known as c.4134C>G), located in coding exon 29 of the LRRK2 gene, results from a C to G substitution at nucleotide position 4134. The isoleucine at codon 1378 is replaced by methionine, an amino acid with highly similar properties. This amino acid position is conserved. In addition, the in silico prediction for this alteration is inconclusive. Based on the available evidence, the clinical significance of this variant remains unclear.